The following is an entry in ClinVar:

ClinVar aggregate classification (germline): Likely benign. Review status: criteria provided, multiple submitters, no conflicts (2 of 4 stars). 3 submissions from 3 submitters: Likely benign (3). Last evaluated 2024-05-12.

Conditions:
Familial adenomatous polyposis 1 (FAP1). Also called: POLYPOSIS, ADENOMATOUS INTESTINAL; FAMILIAL ADENOMATOUS POLYPOSIS 1, ATTENUATED. Identifiers: MedGen C2713442, MONDO:0021056, OMIM 175100. Disease mechanism: loss of function.
Classic or attenuated familial adenomatous polyposis. Identifiers: MedGen CN372698, MONDO:0021057.
Hereditary cancer-predisposing syndrome. Also called: Neoplastic Syndromes, Hereditary; Hereditary Cancer Syndrome; Hereditary neoplastic syndrome; Tumor predisposition. Identifiers: Orphanet 140162, MedGen C0027672, MeSH D009386, MONDO:0015356.

Submissions (3):

Ambry Genetics
Classification: Likely benign for Hereditary cancer-predisposing syndrome. Last evaluated: 2024-05-12. Review status: criteria provided, single submitter. Criteria: Ambry Variant Classification Scheme 2023. Collection method: clinical testing. Allele origin: germline.

All of Us Research Program, National Institutes of Health
Classification: Likely benign for Classic or attenuated familial adenomatous polyposis. Last evaluated: 2023-11-02. Review status: criteria provided, single submitter. Criteria: ACMG Guidelines, 2015. Collection method: clinical testing. Allele origin: germline. Inheritance: Autosomal dominant inheritance. Observed: 1 variant allele, 1 heterozygote.
Comment: This study involves interpretation of variants in research participants for the purpose of population health screening. Participant phenotype was not available at the time of variant classification. Additional details can be found in publication PMID: 35346344, PMCID: PMC8962531

Labcorp Genetics (formerly Invitae), Labcorp
Classification: Likely benign for Familial adenomatous polyposis 1. Last evaluated: 2023-09-14. Review status: criteria provided, single submitter. Criteria: Invitae Variant Classification Sherloc (09022015). Collection method: clinical testing. Allele origin: germline.

NM_000038.6(APC):c.309A>T (p.Val103=)

Gene: APC (APC regulator of Wnt signaling pathway; plus strand). Cytogenetic location: 5q22.2.
Variant type: single nucleotide variant.
Coding change: c.309A>T on transcript NM_000038.6 (MANE Select); coding-DNA position 309, A replaced by T.
Protein change: p.Val103=; no amino-acid change (valine 103 retained).
Molecular consequence: synonymous variant. On other transcripts: 5 prime UTR variant (4), non-coding transcript variant (2).
Genome position (GRCh38, 1-based): chr5:112,767,277, A>T. VCF-style: chr5-112767277-A-T. GRCh37 (hg19) VCF-style: chr5-112102974-A-T.
Other names: c.309A>T, p.Val103= (NM_001127510.3, NM_001354895.2, NM_001354896.2 and 16 more transcripts); c.339A>T, p.Val113= (NM_001127511.3, NM_001354897.2, NM_001354902.2 and 1 more transcripts); c.234A>T, p.Val78= (NM_001354898.2, NM_001354904.2, NM_001407451.1); c.132A>T, p.Val44= (NM_001354900.2, NM_001354901.2, NM_001354905.2 and 1 more transcripts); c.-727A>T (NM_001354906.2, NM_001407470.1, NM_001407471.1 and 1 more transcripts); c.309A>T (NM_000038.5).
Identifiers: ClinVar variation 2757607 (VCV002757607.5), dbSNP rs863224279, ClinGen allele CA445753333.